The following is an entry in ClinVar:

ClinVar aggregate classification (germline): Uncertain significance (1 of 4 stars; one submission).

Allele frequency attached by ClinVar (database versions not stated): gnomAD exomes below 0.00001 and 0.00001; ExAC 0.00001; TOPMed 0.00001.
gnomAD v4.1: 1 of 1,612,972 alleles (0.000062%); highest among the groups gnomAD compares: African/African-American, 0.0013%; no homozygotes.

Submission:

Labcorp Genetics (formerly Invitae), Labcorp
Classification: Uncertain significance. Last evaluated: 2022-03-09. Review status: criteria provided, single submitter. Criteria: Invitae Variant Classification Sherloc (09022015). Collection method: clinical testing. Allele origin: germline.
Comment: Algorithms developed to predict the effect of missense changes on protein structure and function (SIFT, PolyPhen-2, Align-GVGD) all suggest that this variant is likely to be tolerated. In summary, the available evidence is currently insufficient to determine the role of this variant in disease. Therefore, it has been classified as a Variant of Uncertain Significance. Algorithms developed to predict the effect of sequence changes on RNA splicing suggest that this variant may create or strengthen a splice site. This variant has not been reported in the literature in individuals affected with TUBGCP6-related conditions. This variant is present in population databases (rs778840301, gnomAD 0.01%). This sequence change replaces lysine, which is basic and polar, with arginine, which is basic and polar, at codon 658 of the TUBGCP6 protein (p.Lys658Arg).

NM_020461.4(TUBGCP6):c.1973A>G (p.Lys658Arg)

Gene: TUBGCP6 (tubulin gamma complex component 6; minus strand). Cytogenetic location: 22q13.33.
Variant type: single nucleotide variant.
Coding change: c.1973A>G on transcript NM_020461.4 (MANE Select); coding-DNA position 1973, A replaced by G.
Protein change: p.Lys658Arg; replaces lysine 658 with arginine.
Molecular consequence: missense variant.
Genome position (GRCh38, 1-based): chr22:50,225,804, T>C on the plus strand (A>G on the coding strand, the complement: TUBGCP6 is on the minus strand). VCF-style: chr22-50225804-T-C. GRCh37 (hg19) VCF-style: chr22-50664233-T-C.
Other names: short protein forms K658R.
Identifiers: ClinVar variation 1476381 (VCV001476381.6), dbSNP rs778840301, ClinGen allele CA10308434.